The following is an entry in ClinVar:

NM_000391.3(TPP1):c.90del

Gene: TPP1 (tripeptidyl peptidase 1; minus strand). Cytogenetic location: 11p15.4.
Variant type: Deletion.
Coding change: c.90del on transcript NM_000391.3; coding-DNA position 90, one base deleted (G; older notation c.90delG).
Genome position (GRCh38, 1-based): chr11:6,618,915, C deleted on the plus strand (G on the coding strand, the reverse complement: TPP1 is on the minus strand); the first of 2 consecutive C bases (chr11:6,618,915-6,618,916); deleting either gives the same sequence. VCF-style (leftmost placement, unchanged base first): chr11-6618914-GC-G. GRCh37 (hg19) VCF-style: chr11-6640145-GC-G.
Identifiers: ClinVar variation 2089504 (VCV002089504.5), dbSNP rs2493802191, ClinGen allele CA2574741443.

ClinVar aggregate classification (germline): Pathogenic/Likely pathogenic. Review status: criteria provided, multiple submitters, no conflicts (2 of 4 stars). 2 submissions from 2 submitters: Pathogenic (1); Likely pathogenic (1). Last evaluated 2025-05-22.

Conditions:
Neuronal ceroid lipofuscinosis 2. Also called: JANSKY-BIELSCHOWSKY DISEASE NEURONAL CEROID LIPOFUSCINOSIS, LATE INFANTILE; TPP1-Related Neuronal Ceroid-Lipofuscinosis. Identifiers: Orphanet 168491, Orphanet 228349, Orphanet 79264, MedGen C1876161, MONDO:0008769, OMIM 204500.

Submissions (2):

Natera, Inc.
Classification: Likely pathogenic for Neuronal ceroid lipofuscinosis 2. Last evaluated: 2025-05-22. Review status: criteria provided, single submitter. Criteria: Natera Variant Classification Schema (03/2026). Collection method: clinical testing. Allele origin: germline.
Comment: The c.90del variant in TPP1 is a frameshift variant predicted to shift the reading frame beginning at codon 31 and leads to a stop codon 17 codons downstream. This variant is expected to result in nonsense mediated decay, truncation, or a dysfunctional protein product. This variant is rare in the general population with a frequency below the threshold expected for the associated phenotype(s). Given the available evidence, this variant is classified as Likely Pathogenic.

Labcorp Genetics (formerly Invitae), Labcorp
Classification: Pathogenic. Last evaluated: 2023-05-01. Review status: criteria provided, single submitter. Criteria: Invitae Variant Classification Sherloc (09022015). Collection method: clinical testing. Allele origin: germline.
Comment: This sequence change creates a premature translational stop signal (p.Leu31Cysfs*17) in the TPP1 gene. It is expected to result in an absent or disrupted protein product. Loss-of-function variants in TPP1 are known to be pathogenic (PMID: 10330339). For these reasons, this variant has been classified as Pathogenic. Algorithms developed to predict the effect of sequence changes on RNA splicing suggest that this variant may disrupt the consensus splice site. ClinVar contains an entry for this variant (Variation ID: 2089504). This variant has not been reported in the literature in individuals affected with TPP1-related conditions. This variant is not present in population databases (gnomAD no frequency).

Literature cited by the submitters: PubMed 10330339 (cited by Labcorp Genetics (formerly Invitae), Labcorp).